The following is an entry in ClinVar:

ClinVar aggregate classification (germline): Uncertain significance (1 of 4 stars; one submission).

Submission:

Labcorp Genetics (formerly Invitae), Labcorp
Classification: Uncertain significance. Last evaluated: 2025-04-17. Review status: criteria provided, single submitter. Criteria: Invitae Variant Classification Sherloc (09022015). Collection method: clinical testing. Allele origin: germline.
Comment: This variant, c.640_684dup, results in the insertion of 15 amino acid(s) of the MBD4 protein (p.Leu214_Val228dup), but otherwise preserves the integrity of the reading frame. This variant is not present in population databases (gnomAD no frequency). This variant has not been reported in the literature in individuals affected with MBD4-related conditions. In summary, the available evidence is currently insufficient to determine the role of this variant in disease. Therefore, it has been classified as a Variant of Uncertain Significance.

NM_001276270.2(MBD4):c.640_684dup (p.Val228_Arg229insLeuLysGluAspGluGlyValAspAspValAsnPheArgLysVal)

Gene: MBD4 (methyl-CpG binding domain 4, DNA glycosylase; minus strand). Cytogenetic location: 3q21.3.
Variant type: Duplication.
Coding change: c.640_684dup on transcript NM_001276270.2 (MANE Select); coding-DNA positions 640 to 684, 45 bases duplicated.
Protein change: p.Val228_Arg229insLeuLysGluAspGluGlyValAspAspValAsnPheArgLysVal.
Molecular consequence: inframe insertion. On other transcripts: intron variant (1).
Genome position (GRCh38, 1-based): chr3:129,436,960-129,437,004, 45 bases duplicated; duplicating any 45 consecutive bases within chr3:129,436,960-129,437,006 gives the same sequence; the c. name uses the placement nearest the transcript's 3' end. GRCh37 (hg19): chr3:129,155,805-129,155,849.
Other names: c.640_684dup, p.Val228_Arg229insLeuLysGluAspGluGlyValAspAspValAsnPheArgLysVal (NM_001276271.2, NM_001276272.2, NM_003925.3); c.247+804_247+848dup (NM_001276273.2).
Identifiers: ClinVar variation 4717579 (VCV004717579.1).